The following is an entry in ClinVar:

NM_001122764.3(PPOX):c.653A>T (p.Gln218Leu)

Gene: PPOX (protoporphyrinogen oxidase; plus strand). Cytogenetic location: 1q23.3.
Variant type: single nucleotide variant.
Coding change: c.653A>T on transcript NM_001122764.3 (MANE Select); coding-DNA position 653, A replaced by T.
Protein change: p.Gln218Leu; replaces glutamine 218 with leucine.
Molecular consequence: missense variant.
Genome position (GRCh38, 1-based): chr1:161,169,029, A>T. VCF-style: chr1-161169029-A-T. GRCh37 (hg19) VCF-style: chr1-161138819-A-T.
Other names: c.653A>T, p.Gln218Leu (NM_000309.5, NM_001365398.1, NM_001365399.1); c.554A>T, p.Gln185Leu (NM_001350128.2); c.245A>T, p.Gln82Leu (NM_001350129.2, NM_001365400.1); c.167A>T, p.Gln56Leu (NM_001350130.2, NM_001350131.2, NM_001365401.1); short protein forms Q185L, Q218L, Q56L, Q82L.
Identifiers: ClinVar variation 5020356 (VCV005020356.1).

ClinVar aggregate classification (germline): Uncertain significance (1 of 4 stars; one submission).

gnomAD v4.1: 1 of 1,614,188 alleles (0.000062%); no homozygotes.

Submission:

Dasa
Classification: Uncertain significance. Last evaluated: 2026-08-09. Review status: criteria provided, single submitter. Criteria: DASA Assertion Criteria. Collection method: clinical testing. Allele origin: germline.
Comment: NM_001122764.3(PPOX):c.653A>T (p.Gln218Leu) is a missense variant that results in the substitution of glutamine with leucine. This variant is rare in population databases. The currently available literature and clinical evidence are not sufficient to establish a definitive association between this variant and the reported condition. Therefore, this variant is classified as a variant of uncertain significance.